The following is an entry in ClinVar:

NM_001384474.1(LOXHD1):c.2204G>A (p.Arg735Gln)

Gene: LOXHD1 (lipoxygenase homology PLAT domains 1; minus strand). Cytogenetic location: 18q21.1.
Variant type: single nucleotide variant.
Coding change: c.2204G>A on transcript NM_001384474.1 (MANE Select); coding-DNA position 2204, G replaced by A.
Protein change: p.Arg735Gln; replaces arginine 735 with glutamine.
Molecular consequence: missense variant.
Genome position (GRCh38, 1-based): chr18:46,569,482, C>T on the plus strand (G>A on the coding strand, the complement: LOXHD1 is on the minus strand). VCF-style: chr18-46569482-C-T. GRCh37 (hg19) VCF-style: chr18-44149445-C-T.
Other names: c.2204G>A, p.Arg735Gln (NM_144612.7); short protein forms R735Q.
Identifiers: ClinVar variation 499496 (VCV000499496.7), dbSNP rs1393552738, ClinGen allele CA402374772.

ClinVar aggregate classification (germline): Uncertain significance. Review status: criteria provided, multiple submitters, no conflicts (2 of 4 stars). 2 submissions from 2 submitters: Uncertain significance (2). Last evaluated 2024-10-05.

Allele frequency attached by ClinVar (database versions not stated): gnomAD exomes 0.00001; TOPMed 0.00003; gnomAD 0.00004.
gnomAD v4.1: 25 of 1,551,962 alleles (0.0016%); highest among the groups gnomAD compares: African/African-American, 0.0068%; no homozygotes.

Submissions (2):

Labcorp Genetics (formerly Invitae), Labcorp
Classification: Uncertain significance. Last evaluated: 2024-10-05. Review status: criteria provided, single submitter. Criteria: Invitae Variant Classification Sherloc (09022015). Collection method: clinical testing. Allele origin: germline.
Comment: This sequence change replaces arginine, which is basic and polar, with glutamine, which is neutral and polar, at codon 735 of the LOXHD1 protein (p.Arg735Gln). This variant is present in population databases (no rsID available, gnomAD 0.003%). This variant has not been reported in the literature in individuals affected with LOXHD1-related conditions. ClinVar contains an entry for this variant (Variation ID: 499496). An algorithm developed to predict the effect of missense changes on protein structure and function (PolyPhen-2) suggests that this variant is likely to be tolerated. In summary, the available evidence is currently insufficient to determine the role of this variant in disease. Therefore, it has been classified as a Variant of Uncertain Significance.

Eurofins Ntd Llc (ga)
Classification: Uncertain significance. Last evaluated: 2017-01-17. Review status: criteria provided, single submitter. Criteria: EGL Classification Definitions 2015. Collection method: clinical testing. Allele origin: germline. Observed: 1 variant allele, 1 heterozygote.